The following is an entry in ClinVar:

ClinVar aggregate classification (germline): Conflicting classifications of pathogenicity. Review status: criteria provided, conflicting classifications (1 of 4 stars). 5 submissions from 5 submitters: Uncertain significance (4); Likely benign (1). Last evaluated 2025-09-19.

Conditions:
Brugada syndrome 5 (BRGDA5). Identifiers: Orphanet 130, Orphanet 871, MedGen C2748541, MONDO:0013015, OMIM 612838.
Cardiovascular phenotype. Identifiers: MedGen CN230736.

Allele frequency attached by ClinVar (database versions not stated): ExAC 0.00004; gnomAD 0.00007; ESP Exome Variant Server 0.00008; TOPMed 0.00009.
gnomAD v4.1: 160 of 1,614,038 alleles (0.0099%); highest among the groups gnomAD compares: Non-Finnish European, 0.013%; no homozygotes.

Submissions (7):

GeneDx
Classification: Uncertain significance. Last evaluated: 2025-09-19. Review status: criteria provided, single submitter. Criteria: GeneDx Variant Classification Process June 2021. Collection method: clinical testing. Allele origin: germline. Affected: yes.
Comment: Reported a family that met clinical criteria for genetic epilepsy with febrile seizures plus (GEFS+) who also harbor a pathogenic missense variant in the SNC1B gene; however, detailed clinical and segregation data were not provided (PMID: 39476534); In silico analysis is inconclusive as to whether the variant alters gene splicing. In the absence of RNA/functional studies, the actual effect of this sequence change is unknown.; This variant is associated with the following publications: (PMID: 39476534)

CeGaT Center for Human Genetics Tuebingen
Classification: Uncertain significance. Last evaluated: 2025-07-01. Review status: criteria provided, single submitter. Criteria: CeGaT Center For Human Genetics Tuebingen Variant Classification Criteria Version 2. Collection method: clinical testing. Allele origin: germline. Affected: yes. Observed: 6 variant alleles.
Comment: SCN1B: PM2, BP4

Labcorp Genetics (formerly Invitae), Labcorp
Classification: Uncertain significance for Brugada syndrome 5. Last evaluated: 2025-06-29. Review status: criteria provided, single submitter. Criteria: Invitae Variant Classification Sherloc (09022015). Collection method: clinical testing. Allele origin: germline.
Comment: The SCN1B gene has multiple clinically relevant transcripts. This variant occurs in alternate transcript NM_001037.5, and corresponds to NM_199037.3:c.*5016C>A in the primary transcript. This sequence change falls in intron 3 of the SCN1B gene. It does not directly change the encoded amino acid sequence of the SCN1B protein. It affects a nucleotide within the consensus splice site. This variant is present in population databases (rs370937269, gnomAD 0.01%). This variant has not been reported in the literature in individuals affected with SCN1B-related conditions. Variants that disrupt the consensus splice site are a relatively common cause of aberrant splicing (PMID: 17576681, 9536098). Experimental studies and prediction algorithms are not available or were not evaluated, and the effect of this variant on mRNA splicing is currently unknown. In summary, the available evidence is currently insufficient to determine the role of this variant in disease. Therefore, it has been classified as a Variant of Uncertain Significance.

Ambry Genetics
Classification: Likely benign for Cardiovascular phenotype. Last evaluated: 2021-09-16. Review status: criteria provided, single submitter. Criteria: Ambry Variant Classification Scheme 2023. Collection method: clinical testing. Allele origin: germline.

Athena Diagnostics
Classification: Uncertain significance. Last evaluated: 2017-03-06. Review status: criteria provided, single submitter. Criteria: Athena Diagnostics Criteria. Collection method: clinical testing. Allele origin: germline.

Dr. Peter K. Rogan Lab, Western University
No classification provided (evidence only). Condition: Melanoma. Review status: no classification provided. Collection method: in vitro. Allele origin: not applicable. Functional consequence: retained intron. Not counted in ClinVar's aggregate classification.

Dr. Peter K. Rogan Lab, Western University
No classification provided (evidence only). Condition: Uveal melanoma. Review status: no classification provided. Collection method: in vitro. Allele origin: not applicable. Functional consequence: retained intron. Not counted in ClinVar's aggregate classification.

Literature cited by the submitters: PubMed 17576681 (cited by Labcorp Genetics (formerly Invitae), Labcorp); PubMed 9536098 (cited by Labcorp Genetics (formerly Invitae), Labcorp).

NM_001037.5(SCN1B):c.449-3C>A

Gene: SCN1B (sodium voltage-gated channel beta subunit 1; plus strand). Cytogenetic location: 19q13.11.
Variant type: single nucleotide variant.
Coding change: c.449-3C>A on transcript NM_001037.5 (MANE Select); 3 bases into the intron before coding-DNA position 449, C replaced by A.
Molecular consequence: intron variant.
Genome position (GRCh38, 1-based): chr19:35,039,114, C>A. VCF-style: chr19-35039114-C-A. GRCh37 (hg19) VCF-style: chr19-35530018-C-A.
Other names: c.350-3C>A (NM_001321605.2).
Identifiers: ClinVar variation 448260 (VCV000448260.56), dbSNP rs370937269, ClinGen allele CA9372073.